The following is an entry in ClinVar:

ClinVar aggregate classification (germline): Uncertain significance (1 of 4 stars; one submission).

Allele frequency attached by ClinVar (database versions not stated): TOPMed below 0.00001; gnomAD exomes below 0.00001; gnomAD 0.00001.
gnomAD v4.1: 2 of 1,614,130 alleles (0.00012%); highest among the groups gnomAD compares: Non-Finnish European, 0.00017%; no homozygotes.

Submission:

Labcorp Genetics (formerly Invitae), Labcorp
Classification: Uncertain significance. Last evaluated: 2025-08-21. Review status: criteria provided, single submitter. Criteria: Invitae Variant Classification Sherloc (09022015). Collection method: clinical testing. Allele origin: germline.
Comment: This sequence change replaces lysine, which is basic and polar, with arginine, which is basic and polar, at codon 2591 of the PCNT protein (p.Lys2591Arg). This variant is not present in population databases (gnomAD no frequency). This variant has not been reported in the literature in individuals affected with PCNT-related conditions. ClinVar contains an entry for this variant (Variation ID: 2124788). An algorithm developed to predict the effect of missense changes on protein structure and function outputs the following: PolyPhen-2: "Possibly Damaging". The arginine amino acid residue is found in multiple mammalian species, which suggests that this missense change does not adversely affect protein function. In summary, the available evidence is currently insufficient to determine the role of this variant in disease. Therefore, it has been classified as a Variant of Uncertain Significance.

NM_006031.6(PCNT):c.7772A>G (p.Lys2591Arg)

Gene: PCNT (pericentrin; plus strand). Cytogenetic location: 21q22.3.
Variant type: single nucleotide variant.
Coding change: c.7772A>G on transcript NM_006031.6 (MANE Select); coding-DNA position 7772, A replaced by G.
Protein change: p.Lys2591Arg; replaces lysine 2591 with arginine.
Molecular consequence: missense variant.
Genome position (GRCh38, 1-based): chr21:46,430,091, A>G. VCF-style: chr21-46430091-A-G. GRCh37 (hg19) VCF-style: chr21-47850005-A-G.
Other names: c.7418A>G, p.Lys2473Arg (NM_001315529.2); short protein forms K2473R, K2591R.
Identifiers: ClinVar variation 2124788 (VCV002124788.4), dbSNP rs1426420965, ClinGen allele CA410571653.